The following is an entry in ClinVar:

NC_000019.9:g.(?_13339493)_(13373667_?)del

Gene: CACNA1A (calcium voltage-gated channel subunit alpha1 A; minus strand). Cytogenetic location: 19p13.2.
Variant type: Deletion.
Identifiers: ClinVar variation 2423754 (VCV002423754.6).

ClinVar aggregate classification (germline): Pathogenic (1 of 4 stars; one submission).

Conditions:
Episodic ataxia type 2 (EA2). Also called: ATAXIA, EPISODIC, WITH NYSTAGMUS; ATAXIA, FAMILIAL PAROXYSMAL; CEREBELLAR ATAXIA, PAROXYSMAL, ACETAZOLAMIDE-RESPONSIVE; CEREBELLOPATHY, HEREDITARY PAROXYSMAL; EPISODIC ATAXIA, NYSTAGMUS-ASSOCIATED; ACETAZOLAMIDE-RESPONSIVE HEREDITARY PAROXYSMAL CEREBELLAR ATAXIA. Identifiers: Orphanet 97, MedGen C1720416, MONDO:0007163, OMIM 108500.
Developmental and epileptic encephalopathy, 42 (DEE42A). Also called: DEVELOPMENTAL AND EPILEPTIC ENCEPHALOPATHY 42A; EPILEPTIC ENCEPHALOPATHY, EARLY INFANTILE, 42A; Epileptic encephalopathy, early infantile, 42. Identifiers: MedGen C4310716, MONDO:0014917, OMIM 617106.

Submission:

Labcorp Genetics (formerly Invitae), Labcorp
Classification: Pathogenic for Developmental and epileptic encephalopathy, 42; Episodic ataxia type 2. Last evaluated: 2022-10-26. Review status: criteria provided, single submitter. Criteria: Invitae Variant Classification Sherloc (09022015). Collection method: clinical testing. Allele origin: germline.
Comment: For these reasons, this variant has been classified as Pathogenic. This variant has not been reported in the literature in individuals affected with CACNA1A-related conditions. This variant is a gross deletion of the genomic region encompassing exon(s) 25-37 of the CACNA1A gene. This deletion is out-of-frame, and is expected to create a premature termination codon and result in an absent or disrupted protein product. Loss-of-function variants in CACNA1A are known to be pathogenic (PMID: 10371528, 19486177, 25735478, 27250579).

Literature cited by the submitters: PubMed 10371528; PubMed 19486177; PubMed 25735478; PubMed 27250579.